The following is an entry in ClinVar:

ClinVar aggregate classification (germline): Uncertain significance (1 of 4 stars; one submission).

Allele frequency attached by ClinVar (database versions not stated): gnomAD exomes below 0.00001; TOPMed below 0.00001; ExAC 0.00001.

Submission:

Labcorp Genetics (formerly Invitae), Labcorp
Classification: Uncertain significance. Last evaluated: 2021-04-03. Review status: criteria provided, single submitter. Criteria: Invitae Variant Classification Sherloc (09022015). Collection method: clinical testing. Allele origin: germline.
Comment: This variant has not been reported in the literature in individuals with PCLO-related conditions. In summary, the available evidence is currently insufficient to determine the role of this variant in disease. Therefore, it has been classified as a Variant of Uncertain Significance. Algorithms developed to predict the effect of missense changes on protein structure and function are either unavailable or do not agree on the potential impact of this missense change (SIFT: "Tolerated"; PolyPhen-2: "Not Available"; Align-GVGD: "Class C0"). This variant is present in population databases (rs757602723, ExAC 0.002%). This sequence change replaces isoleucine with valine at codon 4418 of the PCLO protein (p.Ile4418Val). The isoleucine residue is moderately conserved and there is a small physicochemical difference between isoleucine and valine.

NM_033026.6(PCLO):c.13252A>G (p.Ile4418Val)

Gene: PCLO (piccolo presynaptic cytomatrix protein; minus strand). Cytogenetic location: 7q21.11.
Variant type: single nucleotide variant.
Coding change: c.13252A>G on transcript NM_033026.6 (MANE Select); coding-DNA position 13252, A replaced by G.
Protein change: p.Ile4418Val; replaces isoleucine 4418 with valine.
Molecular consequence: missense variant.
Genome position (GRCh38, 1-based): chr7:82,914,734, T>C on the plus strand (A>G on the coding strand, the complement: PCLO is on the minus strand). VCF-style: chr7-82914734-T-C. GRCh37 (hg19) VCF-style: chr7-82544050-T-C.
Other names: c.13252A>G, p.Ile4418Val (NM_014510.3); short protein forms I4418V.
Identifiers: ClinVar variation 1351070 (VCV001351070.8), dbSNP rs757602723, ClinGen allele CA4319237.